The following is an entry in ClinVar:

ClinVar aggregate classification (germline): Uncertain significance (1 of 4 stars; one submission).

Conditions:
Malignant hyperthermia, susceptibility to, 1 (MHS1). Also called: RYR1-Related Malignant Hyperthermia Susceptibility; Anesthesia related hyperthermia; Malignant hyperpyrexia; Fulminating hyperpyrexia; Pharmacogenic myopathy; Malignant hyperthermia suceptibility 1. Identifiers: Orphanet 423, MedGen C2930980, MONDO:0007783, OMIM 145600.

Submission:

All of Us Research Program, National Institutes of Health
Classification: Uncertain significance for Malignant hyperthermia, susceptibility to, 1. Last evaluated: 2023-04-03. Review status: criteria provided, single submitter. Criteria: ACMG Guidelines, 2015. Collection method: clinical testing. Allele origin: germline. Inheritance: Autosomal dominant inheritance. Observed: 1 variant allele, 1 heterozygote.
Comment: This missense variant replaces histidine with glutamine at codon 2902 of the RYR1 protein. Computational prediction is inconclusive regarding the impact of this variant on protein structure and function (internally defined REVEL score threshold 0.5 < inconclusive < 0.7, PMID: 27666373). To our knowledge, functional studies have not been reported for this variant. This variant has not been reported in individuals affected with RYR1-related disorders in the literature. This variant has not been identified in the general population by the Genome Aggregation Database (gnomAD). The available evidence is insufficient to determine the role of this variant in disease conclusively. Therefore, this variant is classified as a Variant of Uncertain Significance.

This study involves interpretation of variants in research participants for the purpose of population health screening. Participant phenotype was not available at the time of variant classification. Additional details can be found in publication PMID: 35346344, PMCID: PMC8962531

NM_000540.3(RYR1):c.8706C>G (p.His2902Gln)

Gene: RYR1 (ryanodine receptor 1; plus strand). Cytogenetic location: 19q13.2.
Variant type: single nucleotide variant.
Coding change: c.8706C>G on transcript NM_000540.3 (MANE Select); coding-DNA position 8706, C replaced by G.
Protein change: p.His2902Gln; replaces histidine 2902 with glutamine.
Molecular consequence: missense variant.
Genome position (GRCh38, 1-based): chr19:38,506,842, C>G. VCF-style: chr19-38506842-C-G. GRCh37 (hg19) VCF-style: chr19-38997482-C-G.
Other names: c.8706C>G, p.His2902Gln (NM_001042723.2); short protein forms H2902Q.
Identifiers: ClinVar variation 3070305 (VCV003070305.1), dbSNP rs779643201, ClinGen allele CA084089.
Genomic context (GRCh38, chr19:38,506,842, plus strand): 5'-GCCCGGGTCTTCCCCAGAGCCCTGATTTCTGGTCTTTGCCTCCCCAGGCGGTGGGACCCA[C>G]CCCCTGCTGGTCCCCTACGACACGCTCACGGCCAAGGAGAAGGCACGAGATCGAGAGAAG-3'
Protein context (NP_000531.2, residues 2892-2912): QELEAKGGGT[His2902Gln]PLLVPYDTLT